The following is an entry in ClinVar:

NM_001371333.1(DIABLO):c.689C>T (p.Ser230Leu)

Genes: B3GNT4 (UDP-GlcNAc:betaGal beta-1,3-N-acetylglucosaminyltransferase 4; plus strand), DIABLO (diablo IAP-binding mitochondrial protein; minus strand). Cytogenetic location: 12q24.31.
Variant type: single nucleotide variant.
Coding change: c.689C>T on transcript NM_001371333.1 (MANE Select); coding-DNA position 689, C replaced by T.
Protein change: p.Ser230Leu; replaces serine 230 with leucine.
Molecular consequence: missense variant. On other transcripts: 3 prime UTR variant (2).
Genome position (GRCh38, 1-based): chr12:122,208,412, G>A on the plus strand (C>T on the coding strand, the complement: DIABLO is on the minus strand). VCF-style: chr12-122208412-G-A. GRCh37 (hg19) VCF-style: chr12-122692959-G-A.
Other names: c.398C>T, p.Ser133Leu (NM_001278302.1); c.470C>T, p.Ser157Leu (NM_001278303.1); c.530C>T, p.Ser177Leu (NM_001278304.2, NM_138930.3); c.557C>T, p.Ser186Leu (NM_001278342.1); c.689C>T, p.Ser230Leu (NM_019887.6); c.*1024G>A (NM_001330492.2, NM_030765.4); short protein forms S133L, S186L, S230L, S157L, S177L.
Identifiers: ClinVar variation 2810761 (VCV002810761.3), dbSNP rs769655007, ClinGen allele CA6843763.

ClinVar aggregate classification (germline): Uncertain significance (1 of 4 stars; one submission).

Allele frequency attached by ClinVar (database versions not stated): ExAC 0.00001; gnomAD exomes 0.00001; TOPMed 0.00001.
gnomAD v4.1: 11 of 1,613,142 alleles (0.00068%); highest among the groups gnomAD compares: Middle Eastern, 0.018%; no homozygotes.

Submission:

Labcorp Genetics (formerly Invitae), Labcorp
Classification: Uncertain significance. Last evaluated: 2024-02-11. Review status: criteria provided, single submitter. Criteria: Invitae Variant Classification Sherloc (09022015). Collection method: clinical testing. Allele origin: germline.
Comment: This sequence change replaces serine, which is neutral and polar, with leucine, which is neutral and non-polar, at codon 230 of the DIABLO protein (p.Ser230Leu). This variant is present in population databases (rs769655007, gnomAD 0.01%). This variant has not been reported in the literature in individuals affected with DIABLO-related conditions. Algorithms developed to predict the effect of missense changes on protein structure and function output the following: SIFT: "Not Available"; PolyPhen-2: "Benign"; Align-GVGD: "Not Available". The leucine amino acid residue is found in multiple mammalian species, which suggests that this missense change does not adversely affect protein function. In summary, the available evidence is currently insufficient to determine the role of this variant in disease. Therefore, it has been classified as a Variant of Uncertain Significance.